The following is an entry in ClinVar:

ClinVar aggregate classification (germline): Uncertain significance (1 of 4 stars; one submission).

Allele frequency attached by ClinVar (database versions not stated): gnomAD exomes below 0.00001; gnomAD 0.00001.
gnomAD v4.1: 7 of 1,613,606 alleles (0.00043%); highest among the groups gnomAD compares: African/African-American, 0.0013%; no homozygotes.

Submission:

Labcorp Genetics (formerly Invitae), Labcorp
Classification: Uncertain significance. Last evaluated: 2023-08-04. Review status: criteria provided, single submitter. Criteria: Invitae Variant Classification Sherloc (09022015). Collection method: clinical testing. Allele origin: germline.
Comment: In summary, the available evidence is currently insufficient to determine the role of this variant in disease. Therefore, it has been classified as a Variant of Uncertain Significance. Variants that disrupt the consensus splice site are a relatively common cause of aberrant splicing (PMID: 17576681, 9536098). Algorithms developed to predict the effect of sequence changes on RNA splicing suggest that this variant may disrupt the consensus splice site. ClinVar contains an entry for this variant (Variation ID: 1898248). This variant has not been reported in the literature in individuals affected with SEMA4A-related conditions. This variant is present in population databases (no rsID available, gnomAD 0.01%). This sequence change falls in intron 11 of the SEMA4A gene. It does not directly change the encoded amino acid sequence of the SEMA4A protein. It affects a nucleotide within the consensus splice site.

Literature cited by the submitters: PubMed 17576681; PubMed 9536098.

NM_022367.4(SEMA4A):c.1315+5G>A

Gene: SEMA4A (semaphorin 4A; plus strand). Cytogenetic location: 1q22.
Variant type: single nucleotide variant.
Coding change: c.1315+5G>A on transcript NM_022367.4 (MANE Select); 5 bases into the intron after coding-DNA position 1315, G replaced by A.
Molecular consequence: intron variant.
Genome position (GRCh38, 1-based): chr1:156,173,011, G>A. VCF-style: chr1-156173011-G-A. GRCh37 (hg19) VCF-style: chr1-156142802-G-A.
Other names: c.808+5G>A (NM_001370571.1, NM_001370569.1); c.1315+5G>A (NM_001193300.2, NM_001193301.2, NM_001370567.1); c.1018+5G>A (NM_001370568.1); c.919+5G>A (NM_001193302.2).
Identifiers: ClinVar variation 1898248 (VCV001898248.5), dbSNP rs1241726721, ClinGen allele CA526671064.